The following is an entry in ClinVar:

NM_001365951.3(KIF1B):c.3673C>G (p.Pro1225Ala)

Gene: KIF1B (kinesin family member 1B; plus strand). Cytogenetic location: 1p36.22.
Variant type: single nucleotide variant.
Coding change: c.3673C>G on transcript NM_001365951.3 (MANE Select); coding-DNA position 3673, C replaced by G.
Protein change: p.Pro1225Ala; replaces proline 1225 with alanine.
Molecular consequence: missense variant.
Genome position (GRCh38, 1-based): chr1:10,343,272, C>G. VCF-style: chr1-10343272-C-G. GRCh37 (hg19) VCF-style: chr1-10403330-C-G.
Other names: c.3673C>G, p.Pro1225Ala (NM_001365952.1); c.3535C>G, p.Pro1179Ala (NM_015074.3); short protein forms P1179A, P1225A.
Identifiers: ClinVar variation 3533920 (VCV003533920.1).
Genomic context (GRCh38, chr1:10,343,272, plus strand): 5'-TTGTCTTCCTTTCTTTGCAGTCCGCCTCAGCCGTGCCGCCGATTCTTCCCTCCACCCATG[C>G]CACTGTCCAAGCCAGGTGAGCACTCGCTCCGCTTTTTGCATGATGATCTCTTTGTGAATA-3'
Protein context (NP_001352880.1, residues 1215-1235): PCRRFFPPPM[Pro1225Ala]LSKPVPATKL

ClinVar aggregate classification (germline): Uncertain significance (1 of 4 stars; one submission).

Submission:

Ambry Genetics
Classification: Uncertain significance. Last evaluated: 2024-07-05. Review status: criteria provided, single submitter. Criteria: Ambry Variant Classification Scheme 2023. Collection method: clinical testing. Allele origin: germline.
Comment: The p.P1179A variant (also known as c.3535C>G), located in coding exon 31 of the KIF1B gene, results from a C to G substitution at nucleotide position 3535. The proline at codon 1179 is replaced by alanine, an amino acid with highly similar properties. This amino acid position is conserved. In addition, the in silico prediction for this alteration is inconclusive. Based on the available evidence, the clinical significance of this variant remains unclear.